The following is an entry in ClinVar:

NM_000264.5(PTCH1):c.3875C>A (p.Ser1292Tyr)

Gene: PTCH1 (patched 1; minus strand). Cytogenetic location: 9q22.32.
Variant type: single nucleotide variant.
Coding change: c.3875C>A on transcript NM_000264.5 (MANE Select); coding-DNA position 3875, C replaced by A.
Protein change: p.Ser1292Tyr; replaces serine 1292 with tyrosine.
Molecular consequence: missense variant. On other transcripts: non-coding transcript variant (1).
Genome position (GRCh38, 1-based): chr9:95,447,381, G>T on the plus strand (C>A on the coding strand, the complement: PTCH1 is on the minus strand). VCF-style: chr9-95447381-G-T. GRCh37 (hg19) VCF-style: chr9-98209663-G-T.
Other names: c.3719C>A, p.Ser1240Tyr (NM_001354918.2); c.3677C>A, p.Ser1226Tyr (NM_001083602.3); c.3872C>A, p.Ser1291Tyr (NM_001083603.3); c.3422C>A, p.Ser1141Tyr (NM_001083604.3, NM_001083605.3, NM_001083606.3 and 1 more transcripts); short protein forms S1292Y, S1141Y, S1240Y, S1226Y, S1291Y.
Identifiers: ClinVar variation 5027568 (VCV005027568.1).

ClinVar aggregate classification (germline): Uncertain significance (1 of 4 stars; one submission).

Conditions:
Hereditary cancer-predisposing syndrome. Also called: Neoplastic Syndromes, Hereditary; Tumor predisposition; Hereditary neoplastic syndrome; Hereditary Cancer Syndrome. Identifiers: Orphanet 140162, MedGen C0027672, MeSH D009386, MONDO:0015356.

Submission:

Ambry Genetics
Classification: Uncertain significance for Hereditary cancer-predisposing syndrome. Last evaluated: 2026-09-04. Review status: criteria provided, single submitter. Criteria: Ambry Variant Classification Scheme 2023. Collection method: clinical testing. Allele origin: germline.
Comment: The p.S1292Y variant (also known as c.3875C>A), located in coding exon 23 of the PTCH1 gene, results from a C to A substitution at nucleotide position 3875. The serine at codon 1292 is replaced by tyrosine, an amino acid with dissimilar properties. This amino acid position is conserved. In addition, this alteration is predicted to be tolerated by in silico analysis. Based on the available evidence, the clinical significance of this variant remains unclear.